The following is an entry in ClinVar:

ClinVar aggregate classification (germline): Uncertain significance (1 of 4 stars; one submission).

Allele frequency attached by ClinVar (database versions not stated): gnomAD exomes below 0.00001; ExAC 0.00001.
gnomAD v4.1: 6 of 1,613,412 alleles (0.00037%); highest among the groups gnomAD compares: Non-Finnish European, 0.00051%; no homozygotes.

Submission:

Labcorp Genetics (formerly Invitae), Labcorp
Classification: Uncertain significance. Last evaluated: 2022-02-28. Review status: criteria provided, single submitter. Criteria: Invitae Variant Classification Sherloc (09022015). Collection method: clinical testing. Allele origin: germline.
Comment: In summary, the available evidence is currently insufficient to determine the role of this variant in disease. Therefore, it has been classified as a Variant of Uncertain Significance. Algorithms developed to predict the effect of missense changes on protein structure and function (SIFT, PolyPhen-2, Align-GVGD) all suggest that this variant is likely to be tolerated. This variant has not been reported in the literature in individuals affected with WNT5A-related conditions. The frequency data for this variant in the population databases is considered unreliable, as metrics indicate poor data quality at this position in the gnomAD database. This sequence change replaces alanine, which is neutral and non-polar, with valine, which is neutral and non-polar, at codon 275 of the WNT5A protein (p.Ala275Val).

NM_003392.7(WNT5A):c.824C>T (p.Ala275Val)

Gene: WNT5A (Wnt family member 5A; minus strand). Cytogenetic location: 3p14.3.
Variant type: single nucleotide variant.
Coding change: c.824C>T on transcript NM_003392.7 (MANE Select); coding-DNA position 824, C replaced by T.
Protein change: p.Ala275Val; replaces alanine 275 with valine.
Molecular consequence: missense variant.
Genome position (GRCh38, 1-based): chr3:55,470,411, G>A on the plus strand (C>T on the coding strand, the complement: WNT5A is on the minus strand). VCF-style: chr3-55470411-G-A. GRCh37 (hg19) VCF-style: chr3-55504439-G-A.
Other names: c.779C>T, p.Ala260Val (NM_001256105.1, NM_001377271.1, NM_001377272.1); short protein forms A260V, A275V.
Identifiers: ClinVar variation 2104367 (VCV002104367.4), dbSNP rs746392030, ClinGen allele CA2458957.